The following is an entry in ClinVar:

NM_006030.4(CACNA2D2):c.1701+2T>C

Gene: CACNA2D2 (calcium voltage-gated channel auxiliary subunit alpha2delta 2; minus strand). Cytogenetic location: 3p21.31.
Variant type: single nucleotide variant.
Coding change: c.1701+2T>C on transcript NM_006030.4 (MANE Select); the canonical splice donor site of the intron after coding-DNA position 1701, T replaced by C.
Molecular consequence: splice donor variant.
Genome position (GRCh38, 1-based): chr3:50,376,112, A>G on the plus strand (T>C on the coding strand, the complement: CACNA2D2 is on the minus strand). VCF-style: chr3-50376112-A-G. GRCh37 (hg19) VCF-style: chr3-50413543-A-G.
Other names: c.1494+2T>C (NM_001291101.1); c.1701+2T>C (NM_001005505.3, NM_001410768.1, NM_001174051.3).
Identifiers: ClinVar variation 1526049 (VCV001526049.2), dbSNP rs1704971986, ClinGen allele CA352925252.

ClinVar aggregate classification (germline): Pathogenic/Likely pathogenic. Review status: criteria provided, multiple submitters, no conflicts (2 of 4 stars). 2 submissions from 2 submitters: Pathogenic (1); Likely pathogenic (1). Last evaluated 2023-09-07.

Conditions:
Cerebellar atrophy with seizures and variable developmental delay. Identifiers: MedGen C5193132, MONDO:0032788, OMIM 618501.

Allele frequency attached by ClinVar (database versions not stated): gnomAD 0.00001.
gnomAD v4.1: 1 of 1,613,216 alleles (0.000062%); highest among the groups gnomAD compares: South Asian, 0.0011%; no homozygotes.

Submissions (2):

UAEU Genomics Laboratory, United Arab Emirates University
Classification: Likely pathogenic for Cerebellar atrophy with seizures and variable developmental delay. Last evaluated: 2023-09-07. Review status: criteria provided, single submitter. Criteria: ACMG Guidelines, 2015. Collection method: research. Allele origin: germline. Affected: yes. Observed: 1 variant allele.
Comment: PM2, PVS1

3billion
Classification: Pathogenic for Cerebellar atrophy with seizures and variable developmental delay. Last evaluated: 2022-03-22. Review status: criteria provided, single submitter. Criteria: ACMG Guidelines, 2015. Collection method: clinical testing. Allele origin: germline. Affected: yes. Observed: 1 homozygote.
Comment: Canonical splice site: predicted to alter splicing and result in a loss or disruption of normal protein function through nonsense-mediated decay (NMD) or protein truncation. Multiple pathogenic variants are reported downstream of the variant.It is not observed in the gnomAD v2.1.1 dataset. Therefore, this variant is classified as pathogenic according to the recommendation of ACMG/AMP guideline.